The following is an entry in ClinVar:

ClinVar aggregate classification (germline): Likely benign (0 of 4 stars; one submission).

Conditions:
TEX15-related disorder. Also called: TEX15-related condition.

Submission:

PreventionGenetics, part of Exact Sciences
Classification: Likely benign for TEX15-related condition. Last evaluated: 2020-06-12. Review status: no assertion criteria provided. Collection method: clinical testing. Allele origin: germline.
Comment: This variant is classified as likely benign based on ACMG/AMP sequence variant interpretation guidelines (Richards et al. 2015 PMID: 25741868, with internal and published modifications).

NM_001350162.2(TEX15):c.541-4_541-3dup

Gene: TEX15 (testis expressed 15, meiosis and synapsis associated; minus strand). Cytogenetic location: 8p12.
Variant type: Duplication.
Coding change: c.541-4_541-3dup on transcript NM_001350162.2 (MANE Select); 4 bases into the intron before coding-DNA position 541 through 3 bases into the intron before coding-DNA position 541, 2 bases duplicated (TT; older notation c.541-4_541-3dupTT).
Molecular consequence: intron variant.
Genome position (GRCh38, 1-based): chr8:30,860,060-30,860,061, AA duplicated on the plus strand (TT on the coding strand, the reverse complement: TEX15 is on the minus strand); duplicating any 2 consecutive bases within chr8:30,860,060-30,860,071 gives the same sequence; the c. name uses the placement nearest the transcript's 3' end. VCF-style (leftmost placement, unchanged base first): chr8-30860059-T-TAA. GRCh37 (hg19) VCF-style: chr8-30717575-T-TAA.
Identifiers: ClinVar variation 3040591 (VCV003040591.2), dbSNP rs35279485, ClinGen allele CA4703732.